The following is an entry in ClinVar:

ClinVar aggregate classification (germline): Uncertain significance (1 of 4 stars; one submission).

Allele frequency attached by ClinVar (database versions not stated): TOPMed below 0.00001.
gnomAD v4.1: 8 of 1,570,792 alleles (0.00051%); highest among the groups gnomAD compares: Non-Finnish European, 0.00069%; no homozygotes.

Submission:

Labcorp Genetics (formerly Invitae), Labcorp
Classification: Uncertain significance. Last evaluated: 2022-03-18. Review status: criteria provided, single submitter. Criteria: Invitae Variant Classification Sherloc (09022015). Collection method: clinical testing. Allele origin: germline.
Comment: This sequence change replaces arginine, which is basic and polar, with serine, which is neutral and polar, at codon 1294 of the MCM3AP protein (p.Arg1294Ser). This variant is not present in population databases (gnomAD no frequency). This variant has not been reported in the literature in individuals affected with MCM3AP-related conditions. Algorithms developed to predict the effect of missense changes on protein structure and function are either unavailable or do not agree on the potential impact of this missense change (SIFT: "Deleterious"; PolyPhen-2: "Benign"; Align-GVGD: "Class C15"). In summary, the available evidence is currently insufficient to determine the role of this variant in disease. Therefore, it has been classified as a Variant of Uncertain Significance.

NM_003906.5(MCM3AP):c.3882G>T (p.Arg1294Ser)

Gene: MCM3AP (minichromosome maintenance complex component 3 associated protein; minus strand). Cytogenetic location: 21q22.3.
Variant type: single nucleotide variant.
Coding change: c.3882G>T on transcript NM_003906.5 (MANE Select); coding-DNA position 3882, G replaced by T.
Protein change: p.Arg1294Ser; replaces arginine 1294 with serine.
Molecular consequence: missense variant.
Genome position (GRCh38, 1-based): chr21:46,256,839, C>A on the plus strand (G>T on the coding strand, the complement: MCM3AP is on the minus strand). VCF-style: chr21-46256839-C-A. GRCh37 (hg19) VCF-style: chr21-47676753-C-A.
Other names: short protein forms R1294S.
Identifiers: ClinVar variation 1471473 (VCV001471473.3), dbSNP rs1397629520, ClinGen allele CA410550761.